The following is an entry in ClinVar:

ClinVar aggregate classification (germline): Uncertain significance (1 of 4 stars; one submission).

Conditions:
Cardiovascular phenotype. Identifiers: MedGen CN230736.

Submission:

Ambry Genetics
Classification: Uncertain significance for Cardiovascular phenotype. Last evaluated: 2021-01-11. Review status: criteria provided, single submitter. Criteria: Ambry Variant Classification Scheme 2023. Collection method: clinical testing. Allele origin: germline.
Comment: The p.E662* variant (also known as c.1984G>T), located in coding exon 39 of the TRDN gene, results from a G to T substitution at nucleotide position 1984. This changes the amino acid from a glutamic acid to a stop codon within coding exon 39. This alteration is expected to result in loss of function by premature protein truncation or nonsense-mediated mRNA decay. However, this alteration does not impact the predominant cardiac isoform of TRDN (NM_001256021.1; Kobayashi YM et al. J. Biol. Chem., 1999 Oct;274:28660-8). Since supporting evidence is limited at this time, the clinical significance of this alteration remains unclear.

NM_006073.4(TRDN):c.1984G>T (p.Glu662Ter)

Gene: TRDN (triadin; minus strand). Cytogenetic location: 6q22.31.
Variant type: single nucleotide variant.
Coding change: c.1984G>T on transcript NM_006073.4 (MANE Select); coding-DNA position 1984, G replaced by T.
Protein change: p.Glu662Ter; replaces glutamic acid 662 with a stop codon.
Molecular consequence: nonsense.
Genome position (GRCh38, 1-based): chr6:123,224,123, C>A on the plus strand (G>T on the coding strand, the complement: TRDN is on the minus strand). VCF-style: chr6-123224123-C-A. GRCh37 (hg19) VCF-style: chr6-123545268-C-A.
Other names: short protein forms E662*.
Identifiers: ClinVar variation 1783857 (VCV001783857.2), dbSNP rs2534854673, ClinGen allele CA365565737.